The following is an entry in ClinVar:

ClinVar aggregate classification (germline): Uncertain significance (1 of 4 stars; one submission).

Conditions:
Asperger syndrome, X-linked, susceptibility to, 2. Identifiers: MedGen CN029122, MONDO:0010343.

Allele frequency attached by ClinVar (database versions not stated): gnomAD exomes 0.00001.
gnomAD v4.1: 7 of 1,211,646 alleles (0.00058%); highest among the groups gnomAD compares: South Asian, 0.0018%; no homozygotes.

Submission:

MGZ Medical Genetics Center
Classification: Uncertain significance for Autism, susceptibility to, X-linked 2. Last evaluated: 2022-07-15. Review status: criteria provided, single submitter. Criteria: ACMG Guidelines, 2015. Collection method: clinical testing. Allele origin: germline. Affected: yes. Observed: 1 variant allele.
Comment: ACMG criteria applied: PM2_SUP, PP3

NM_181332.3(NLGN4X):c.1601+5G>A

Gene: NLGN4X (neuroligin 4 X-linked; minus strand). Cytogenetic location: Xp22.32.
Variant type: single nucleotide variant.
Coding change: c.1601+5G>A on transcript NM_181332.3 (MANE Select); 5 bases into the intron after coding-DNA position 1601, G replaced by A.
Molecular consequence: intron variant.
Genome position (GRCh38, 1-based): chrX:5,903,072, C>T on the plus strand (G>A on the coding strand, the complement: NLGN4X is on the minus strand). VCF-style: chrX-5903072-C-T. GRCh37 (hg19) VCF-style: chrX-5821113-C-T.
Other names: c.1601+5G>A (NM_001282145.2, NM_020742.4, NM_001282146.2).
Identifiers: ClinVar variation 1709592 (VCV001709592.2), dbSNP rs2031968875, ClinGen allele CA2413692739.
Genomic context (GRCh38, chrX:5,903,072, plus strand): 5'-CACCTATATTGAGGACACAAACAAGTGGCAAGGATAGTGATACCCCAACACGAAGATGAA[C>T]GTACCCAGTTTTGGCGAAGTTCGTCCAGTAGGTCATGACCACGGCGCTGAGCATGACGTC-3'